The following is an entry in ClinVar:

NM_006767.4(LZTR1):c.133T>C (p.Phe45Leu)

Gene: LZTR1 (leucine zipper like post translational regulator 1; plus strand). Cytogenetic location: 22q11.21.
Variant type: single nucleotide variant.
Coding change: c.133T>C on transcript NM_006767.4 (MANE Select); coding-DNA position 133, T replaced by C.
Protein change: p.Phe45Leu; replaces phenylalanine 45 with leucine.
Molecular consequence: missense variant.
Genome position (GRCh38, 1-based): chr22:20,982,504, T>C. VCF-style: chr22-20982504-T-C. GRCh37 (hg19) VCF-style: chr22-21336793-T-C.
Other names: short protein forms F45L.
Identifiers: ClinVar variation 3869353 (VCV003869353.1).

ClinVar aggregate classification (germline): Uncertain significance (1 of 4 stars; one submission).

Conditions:
Cardiovascular phenotype. Identifiers: MedGen CN230736.
Hereditary cancer-predisposing syndrome. Also called: Tumor predisposition; Neoplastic Syndromes, Hereditary; Hereditary Cancer Syndrome; Hereditary neoplastic syndrome. Identifiers: Orphanet 140162, MedGen C0027672, MeSH D009386, MONDO:0015356.

gnomAD v4.1: 1 of 1,613,024 alleles (0.000062%); highest among the groups gnomAD compares: Non-Finnish European, 0.000085%; no homozygotes.

Submission:

Ambry Genetics
Classification: Uncertain significance for Cardiovascular phenotype; Hereditary cancer-predisposing syndrome. Last evaluated: 2025-03-12. Review status: criteria provided, single submitter. Criteria: Ambry Variant Classification Scheme 2023. Collection method: clinical testing. Allele origin: germline.
Comment: The p.F45L variant (also known as c.133T>C), located in coding exon 1 of the LZTR1 gene, results from a T to C substitution at nucleotide position 133. The phenylalanine at codon 45 is replaced by leucine, an amino acid with highly similar properties. This amino acid position is conserved. In addition, the in silico prediction for this alteration is inconclusive. Based on the available evidence, the clinical significance of this variant remains unclear.